The following is an entry in ClinVar:

NM_001134363.3(RBM20):c.2741T>A (p.Val914Asp)

Gene: RBM20 (RNA binding motif protein 20; plus strand). Cytogenetic location: 10q25.2.
Variant type: single nucleotide variant.
Coding change: c.2741T>A on transcript NM_001134363.3 (MANE Select); coding-DNA position 2741, T replaced by A.
Protein change: p.Val914Asp; replaces valine 914 with aspartic acid.
Molecular consequence: missense variant.
Genome position (GRCh38, 1-based): chr10:110,821,360, T>A. VCF-style: chr10-110821360-T-A. GRCh37 (hg19) VCF-style: chr10-112581118-T-A.
Other names: short protein forms V914D.
Identifiers: ClinVar variation 1010527 (VCV001010527.8), dbSNP rs794729154, ClinGen allele CA378377403.

ClinVar aggregate classification (germline): Uncertain significance (1 of 4 stars; one submission).

Conditions:
Dilated cardiomyopathy 1DD (CMD1DD). Identifiers: Orphanet 154, MedGen C2750995, MONDO:0013168, OMIM 613172.

Submission:

Labcorp Genetics (formerly Invitae), Labcorp
Classification: Uncertain significance for Dilated cardiomyopathy 1DD. Last evaluated: 2020-07-08. Review status: criteria provided, single submitter. Criteria: Invitae Variant Classification Sherloc (09022015). Collection method: clinical testing. Allele origin: germline.
Comment: In summary, the available evidence is currently insufficient to determine the role of this variant in disease. Therefore, it has been classified as a Variant of Uncertain Significance. Algorithms developed to predict the effect of missense changes on protein structure and function are either unavailable or do not agree on the potential impact of this missense change (SIFT: "Deleterious"; PolyPhen-2: "Probably Damaging"; Align-GVGD: "Class C15"). This variant has not been reported in the literature in individuals with RBM20-related conditions. This variant is not present in population databases (ExAC no frequency). This sequence change replaces valine with aspartic acid at codon 914 of the RBM20 protein (p.Val914Asp). The valine residue is highly conserved and there is a large physicochemical difference between valine and aspartic acid.